The following is an entry in ClinVar:

NM_012452.3(TNFRSF13B):c.787A>G (p.Thr263Ala)

Gene: TNFRSF13B (TNF receptor superfamily member 13B; minus strand). Cytogenetic location: 17p11.2.
Variant type: single nucleotide variant.
Coding change: c.787A>G on transcript NM_012452.3 (MANE Select); coding-DNA position 787, A replaced by G.
Protein change: p.Thr263Ala; replaces threonine 263 with alanine.
Molecular consequence: missense variant.
Genome position (GRCh38, 1-based): chr17:16,939,642, T>C on the plus strand (A>G on the coding strand, the complement: TNFRSF13B is on the minus strand). VCF-style: chr17-16939642-T-C. GRCh37 (hg19) VCF-style: chr17-16842956-T-C.
Other names: short protein forms T263A.
Identifiers: ClinVar variation 1507526 (VCV001507526.5), dbSNP rs768133177, ClinGen allele CA8413847.

ClinVar aggregate classification (germline): Uncertain significance (1 of 4 stars; one submission).

Conditions:
Immunodeficiency, common variable, 2 (CVID2). Also called: ANTIBODY DEFICIENCY DUE TO TACI DEFECT; HYPOGAMMAGLOBULINEMIA DUE TO TACI DEFICIENCY. Identifiers: Orphanet 1572, MedGen C3150354, MONDO:0009413, OMIM 240500.

Allele frequency attached by ClinVar (database versions not stated): gnomAD exomes 0.00001 and below 0.00001; TOPMed 0.00001; ExAC 0.00001; gnomAD 0.00002.
gnomAD v4.1: 8 of 1,612,750 alleles (0.0005%); highest among the groups gnomAD compares: African/African-American, 0.0093%; no homozygotes.

Submission:

Labcorp Genetics (formerly Invitae), Labcorp
Classification: Uncertain significance for Immunodeficiency, common variable, 2. Last evaluated: 2022-08-16. Review status: criteria provided, single submitter. Criteria: Invitae Variant Classification Sherloc (09022015). Collection method: clinical testing. Allele origin: germline.
Comment: ClinVar contains an entry for this variant (Variation ID: 1507526). In summary, the available evidence is currently insufficient to determine the role of this variant in disease. Therefore, it has been classified as a Variant of Uncertain Significance. Algorithms developed to predict the effect of missense changes on protein structure and function output the following: SIFT: "Tolerated"; PolyPhen-2: "Benign"; Align-GVGD: "Class C0". The alanine amino acid residue is found in multiple mammalian species, which suggests that this missense change does not adversely affect protein function. This variant has not been reported in the literature in individuals affected with TNFRSF13B-related conditions. This variant is present in population databases (rs768133177, gnomAD 0.008%). This sequence change replaces threonine, which is neutral and polar, with alanine, which is neutral and non-polar, at codon 263 of the TNFRSF13B protein (p.Thr263Ala).